The following is an entry in ClinVar:

NM_001130053.5(EEF1D):c.1288-10T>C

Gene: EEF1D (eukaryotic translation elongation factor 1 delta; minus strand). Cytogenetic location: 8q24.3.
Variant type: single nucleotide variant.
Coding change: c.1288-10T>C on transcript NM_001130053.5 (MANE Select); 10 bases into the intron before coding-DNA position 1288, T replaced by C.
Molecular consequence: intron variant.
Genome position (GRCh38, 1-based): chr8:143,581,338, A>G on the plus strand (T>C on the coding strand, the complement: EEF1D is on the minus strand). VCF-style: chr8-143581338-A-G. GRCh37 (hg19) VCF-style: chr8-144663508-A-G.
Other names: c.118-10T>C (NM_001317743.4, NM_001130056.5, NM_001330646.3); c.190-10T>C (NM_001289950.4, NM_001195203.4, NM_001960.7 and 2 more transcripts); c.1288-10T>C (NM_032378.7).
Identifiers: ClinVar variation 3035075 (VCV003035075.2), dbSNP rs372677188, ClinGen allele CA4913570.
Genomic context (GRCh38, chr8:143,581,338, plus strand): 5'-GAGCTCACCGTGGTCTCCGCTGGTGCCGCTGGAGGCCCCGGGGCCTGAGCTCTGCAAGGC[A>G]GGAGGAGGGGAGGGCTCAGTGCCCAGCCTGCTCCTAGGGTCCCCCTGCCATGCTCAGGAC-3'

ClinVar aggregate classification (germline): Likely benign (0 of 4 stars; one submission).

Conditions:
EEF1D-related disorder. Also called: EEF1D-related condition.

Allele frequency attached by ClinVar (database versions not stated): gnomAD 0.00011; ExAC 0.00014; TOPMed 0.00015; ESP Exome Variant Server 0.00016; gnomAD exomes 0.00016.
gnomAD v4.1: 264 of 1,608,648 alleles (0.016%); highest among the groups gnomAD compares: Middle Eastern, 0.27%; 2 homozygotes.

Submission:

PreventionGenetics, part of Exact Sciences
Classification: Likely benign for EEF1D-related condition. Last evaluated: 2019-02-20. Review status: no assertion criteria provided. Collection method: clinical testing. Allele origin: germline.
Comment: This variant is classified as likely benign based on ACMG/AMP sequence variant interpretation guidelines (Richards et al. 2015 PMID: 25741868, with internal and published modifications).